The following is an entry in ClinVar:

ClinVar aggregate classification (germline): Benign (1 of 4 stars; one submission).

Allele frequency attached by ClinVar (database versions not stated): 1000 Genomes Project 0.00040; 1000 Genomes Project 30x 0.00047.
gnomAD v4.1: 128 of 816,142 alleles (0.016%); highest among the groups gnomAD compares: Middle Eastern, 0.19%; 1 homozygote.

Submission:

CeGaT Center for Human Genetics Tuebingen
Classification: Benign. Last evaluated: 2022-08-01. Review status: criteria provided, single submitter. Criteria: CeGaT Center For Human Genetics Tuebingen Variant Classification Criteria Version 2. Collection method: clinical testing. Allele origin: germline. Affected: yes. Observed: 1 variant allele.
Comment: ANKRD11: BS1, BS2

NM_013275.6(ANKRD11):c.-59-7293C>T

Genes: ANKRD11 (ankyrin repeat domain 11; minus strand), ANKRD11-AS2 (ANKRD11 antisense RNA 2; plus strand), LOC128462377 (ankyrin repeat domain 11 upstream open reading frame; minus strand). Cytogenetic location: 16q24.3.
Variant type: single nucleotide variant.
Coding change: c.-59-7293C>T on transcript NM_013275.6 (MANE Select); 7293 bases into the intron before 59 bases upstream of the start codon, C replaced by T.
Molecular consequence: intron variant. On other transcripts: non-coding transcript variant (1).
Genome position (GRCh38, 1-based): chr16:89,324,371, G>A on the plus strand (C>T on the coding strand, the complement: ANKRD11 is on the minus strand). VCF-style: chr16-89324371-G-A. GRCh37 (hg19) VCF-style: chr16-89390779-G-A.
Other names: c.-56-7296C>T (NM_001256183.2); c.-59-7293C>T (NM_001256182.2); c.10-7296C>T (NM_001416403.1); c.10-7293C>T (NM_001417603.1).
Identifiers: ClinVar variation 2647104 (VCV002647104.24), dbSNP rs538526962, ClinGen allele CA286534463.
Genomic context (GRCh38, chr16:89,324,371, plus strand): 5'-CGGACACAGCAGTCGGGGCGACGTGGGTGCCTCACAGAAGAGGGAAAAAGCCAGGAGGGC[G>A]GCACGTGGGCGCAAAGTTCTCAGCTTCGTTAGTCATCAAGAAAATGCAAACTAAAACCAA-3'